The following is an entry in ClinVar:

ClinVar aggregate classification (germline): Pathogenic (1 of 4 stars; one submission).

Submission:

Labcorp Genetics (formerly Invitae), Labcorp
Classification: Pathogenic. Last evaluated: 2021-08-19. Review status: criteria provided, single submitter. Criteria: Invitae Variant Classification Sherloc (09022015). Collection method: clinical testing. Allele origin: germline.
Comment: For these reasons, this variant has been classified as Pathogenic. This variant has not been reported in the literature in individuals affected with COL2A1-related conditions. This variant is not present in population databases (ExAC no frequency). This sequence change creates a premature translational stop signal (p.Ala1079Profs*45) in the COL2A1 gene. It is expected to result in an absent or disrupted protein product. Loss-of-function variants in COL2A1 are known to be pathogenic (PMID: 20179744).

Literature cited by the submitters: PubMed 20179744.

NM_001844.5(COL2A1):c.3216_3234dup (p.Ala1079fs)

Gene: COL2A1 (collagen type II alpha 1 chain; minus strand). Cytogenetic location: 12q13.11.
Variant type: Duplication.
Coding change: c.3216_3234dup on transcript NM_001844.5 (MANE Select); coding-DNA positions 3216 to 3234, 19 bases duplicated (CCCTGGCTCCCCTGGCCCC).
Protein change: p.Ala1079fs; shifts the reading frame from alanine 1079.
Molecular consequence: frameshift variant.
Genome position (GRCh38, 1-based): chr12:47,977,359-47,977,377, GGGGCCAGGGGAGCCAGGG duplicated on the plus strand (CCCTGGCTCCCCTGGCCCC on the coding strand, the reverse complement: COL2A1 is on the minus strand); duplicating any 19 consecutive bases within chr12:47,977,359-47,977,379 gives the same sequence; the c. name uses the placement nearest the transcript's 3' end. VCF-style (leftmost placement, unchanged base first): chr12-47977358-C-CGGGGCCAGGGGAGCCAGGG. GRCh37 (hg19) VCF-style: chr12-48371141-C-CGGGGCCAGGGGAGCCAGGG.
Other names: c.3009_3027dup, p.Ala1010fs (NM_033150.3); short protein forms A1010fs, A1079fs.
Identifiers: ClinVar variation 1425039 (VCV001425039.6), dbSNP rs2136521329, ClinGen allele CA2573148617.